The following is an entry in ClinVar:

ClinVar aggregate classification (germline): Pathogenic. Review status: criteria provided, multiple submitters, no conflicts (2 of 4 stars). 2 submissions from 2 submitters: Pathogenic (2). Last evaluated 2026-04-01.

Submissions (2):

CeGaT Center for Human Genetics Tuebingen
Classification: Pathogenic. Last evaluated: 2026-04-01. Review status: criteria provided, single submitter. Criteria: CeGaT Center For Human Genetics Tuebingen Variant Classification Criteria Version 2. Collection method: clinical testing. Allele origin: germline. Affected: yes. Observed: 1 variant allele.
Comment: LMX1B: PVS1, PM2, PS4:Supporting

Labcorp Genetics (formerly Invitae), Labcorp
Classification: Pathogenic. Last evaluated: 2020-12-28. Review status: criteria provided, single submitter. Criteria: Invitae Variant Classification Sherloc (09022015). Collection method: clinical testing. Allele origin: germline.
Comment: For these reasons, this variant has been classified as Pathogenic. This variant has not been reported in the literature in individuals with LMX1B-related conditions. This variant is not present in population databases (ExAC no frequency). This sequence change creates a premature translational stop signal (p.Lys247*) in the LMX1B gene. It is expected to result in an absent or disrupted protein product. Loss-of-function variants in LMX1B are known to be pathogenic (PMID: 9590287, 15498463).

Literature cited by the submitters: PubMed 9590287 (cited by Labcorp Genetics (formerly Invitae), Labcorp); PubMed 15498463 (cited by Labcorp Genetics (formerly Invitae), Labcorp).

NM_001174147.2(LMX1B):c.739A>T (p.Lys247Ter)

Gene: LMX1B (LIM homeobox transcription factor 1 beta; plus strand). Cytogenetic location: 9q33.3.
Variant type: single nucleotide variant.
Coding change: c.739A>T on transcript NM_001174147.2 (MANE Select); coding-DNA position 739, A replaced by T.
Protein change: p.Lys247Ter; replaces lysine 247 with a stop codon.
Molecular consequence: nonsense.
Genome position (GRCh38, 1-based): chr9:126,693,321, A>T. VCF-style: chr9-126693321-A-T. GRCh37 (hg19) VCF-style: chr9-129455600-A-T.
Other names: c.739A>T, p.Lys247Ter (NM_001174146.2, NM_002316.4); short protein forms K247*.
Identifiers: ClinVar variation 1453648 (VCV001453648.8), dbSNP rs2118992231, ClinGen allele CA374913715.